The following is an entry in ClinVar:

ClinVar aggregate classification (germline): Likely benign. Review status: criteria provided, multiple submitters, no conflicts (2 of 4 stars). 2 submissions from 2 submitters: Likely benign (2). Last evaluated 2025-06-01.

Conditions:
Growth delay due to insulin-like growth factor type 1 deficiency (IGF1D). Also called: GROWTH RETARDATION WITH SENSORINEURAL DEAFNESS AND MENTAL RETARDATION; IGF1 DEFICIENCY. Identifiers: Orphanet 73272, MedGen C1837475, MONDO:0012110, OMIM 608747.

Allele frequency attached by ClinVar (database versions not stated): gnomAD exomes 0.00033; 1000 Genomes Project 0.00280; gnomAD 0.00298 and 0.00317; 1000 Genomes Project 30x 0.00344.
gnomAD v4.1: 493 of 269,186 alleles (0.18%); highest among the groups gnomAD compares: African/African-American, 0.73%; 5 homozygotes.

Submissions (2):

CeGaT Center for Human Genetics Tuebingen
Classification: Likely benign. Last evaluated: 2025-06-01. Review status: criteria provided, single submitter. Criteria: CeGaT Center For Human Genetics Tuebingen Variant Classification Criteria Version 2. Collection method: clinical testing. Allele origin: germline. Affected: yes. Observed: 5 variant alleles.
Comment: HELLPAR: BS2; IGF1: BS2

Illumina Laboratory Services, Illumina
Classification: Likely benign for Growth delay due to insulin-like growth factor type 1 deficiency. Last evaluated: 2018-01-13. Review status: criteria provided, single submitter. Criteria: ICSL Variant Classification Criteria 13 December 2019. Collection method: clinical testing. Allele origin: germline.
Comment: This variant was observed in the ICSL laboratory as part of a predisposition screen in an ostensibly healthy population. It had not been previously curated by ICSL or reported in the Human Gene Mutation Database (HGMD: prior to June 1st, 2018), and was therefore a candidate for classification through an automated scoring system. Utilizing variant allele frequency, disease prevalence and penetrance estimates, and inheritance mode, an automated score was calculated to assess if this variant is too frequent to cause the disease. Based on the score and internal cut-off values, a variant classified as likely benign is not then subjected to further curation. The score for this variant resulted in a classification of likely benign for this disease.

NM_000618.5(IGF1):c.*259A>T

Genes: IGF1 (insulin like growth factor 1; minus strand), LINC02456 (long independently transcribed non-coding RNA 2456; plus strand). Cytogenetic location: 12q23.2.
Variant type: single nucleotide variant.
Coding change: c.*259A>T on transcript NM_000618.5 (MANE Select); 259 bases downstream of the stop codon, A replaced by T.
Molecular consequence: 3 prime UTR variant.
Genome position (GRCh38, 1-based): chr12:102,402,248, T>A on the plus strand (A>T on the coding strand, the complement: IGF1 is on the minus strand). VCF-style: chr12-102402248-T-A. GRCh37 (hg19) VCF-style: chr12-102796026-T-A.
Other names: c.*293A>T (NM_001111283.3); c.*259A>T (NM_001111284.2).
Identifiers: ClinVar variation 883903 (VCV000883903.28), dbSNP rs565327837, ClinGen allele CA242631204.
Genomic context (GRCh38, chr12:102,402,248, plus strand): 5'-ACACCCATGCATTTGTGGCTCTTGAGAGGCAGGGACTAAGATATATATATATATATATTT[T>A]TTTTTTCTTTTCTATAGAACATTATTGATAAAAGATCAACAGCAATCTACCAACTCCAGG-3'